The following is an entry in ClinVar:

NM_003626.5(PPFIA1):c.3315+5C>T

Genes: CTTN-DT (CTTN divergent transcript; minus strand), PPFIA1 (PTPRF interacting protein alpha 1; plus strand). Cytogenetic location: 11q13.3.
Variant type: single nucleotide variant.
Coding change: c.3315+5C>T on transcript NM_003626.5 (MANE Select); 5 bases into the intron after coding-DNA position 3315, C replaced by T.
Molecular consequence: intron variant.
Genome position (GRCh38, 1-based): chr11:70,375,098, C>T. VCF-style: chr11-70375098-C-T. GRCh37 (hg19) VCF-style: chr11-70221204-C-T.
Other names: c.3510+5C>T (NM_001378006.1); c.3315+5C>T (NM_177423.3).
Identifiers: ClinVar variation 3059748 (VCV003059748.2), dbSNP rs67283107, ClinGen allele CA6159637.

ClinVar aggregate classification (germline): Benign (0 of 4 stars; one submission).

Conditions:
PPFIA1-related disorder. Also called: PPFIA1-related condition.

Allele frequency attached by ClinVar (database versions not stated): gnomAD exomes 0.12255; ExAC 0.14847; 1000 Genomes Project 0.16813; gnomAD 0.17685; 1000 Genomes Project 30x 0.17770; ESP Exome Variant Server 0.18763; TOPMed 0.18992.
gnomAD v4.1: 203,505 of 1,594,640 alleles (13%); highest among the groups gnomAD compares: African/African-American, 31%; 15,030 homozygotes.

Submission:

PreventionGenetics, part of Exact Sciences
Classification: Benign for PPFIA1-related condition. Last evaluated: 2019-10-30. Review status: no assertion criteria provided. Collection method: clinical testing. Allele origin: germline.
Comment: This variant is classified as benign based on ACMG/AMP sequence variant interpretation guidelines (Richards et al. 2015 PMID: 25741868, with internal and published modifications).